The following is an entry in ClinVar:

ClinVar aggregate classification (germline): Uncertain significance (1 of 4 stars; one submission).

Conditions:
Neuroblastoma, susceptibility to, 3. Also called: ALK-Related Neuroblastic Tumor Susceptibility. Identifiers: Orphanet 635, MedGen C2751681, MONDO:0013083, OMIM 613014.

Submission:

Labcorp Genetics (formerly Invitae), Labcorp
Classification: Uncertain significance for Neuroblastoma, susceptibility to, 3. Last evaluated: 2024-05-06. Review status: criteria provided, single submitter. Criteria: Invitae Variant Classification Sherloc (09022015). Collection method: clinical testing. Allele origin: germline.
Comment: This sequence change creates a premature translational stop signal (p.Gly1269Glufs*93) in the ALK gene. It is expected to result in an absent or disrupted protein product. However, the current clinical and genetic evidence is not sufficient to establish whether loss-of-function variants in ALK cause disease. This variant is not present in population databases (gnomAD no frequency). This variant has not been reported in the literature in individuals affected with ALK-related conditions. ClinVar contains an entry for this variant (Variation ID: 1515191). In summary, the available evidence is currently insufficient to determine the role of this variant in disease. Therefore, it has been classified as a Variant of Uncertain Significance.

NM_004304.5(ALK):c.3806del (p.Gly1269fs)

Gene: ALK (ALK receptor tyrosine kinase; minus strand). Cytogenetic location: 2p23.2.
Variant type: Deletion.
Coding change: c.3806del on transcript NM_004304.5 (MANE Select); coding-DNA position 3806, one base deleted (G; older notation c.3806delG).
Protein change: p.Gly1269fs; shifts the reading frame from glycine 1269.
Molecular consequence: frameshift variant.
Genome position (GRCh38, 1-based): chr2:29,209,816, C deleted on the plus strand (G on the coding strand, the reverse complement: ALK is on the minus strand); the first of 2 consecutive C bases (chr2:29,209,816-29,209,817); deleting either gives the same sequence. VCF-style (leftmost placement, unchanged base first): chr2-29209815-TC-T. GRCh37 (hg19) VCF-style: chr2-29432681-TC-T.
Other names: c.602del, p.Gly201fs (NM_001353765.2); short protein forms G1269fs, G201fs.
Identifiers: ClinVar variation 1515191 (VCV001515191.6), dbSNP rs2148155141, ClinGen allele CA2573134525.